The following is an entry in ClinVar:

ClinVar aggregate classification (germline): Uncertain significance (1 of 4 stars; one submission).

Conditions:
SIM1-related disorder. Also called: SIM1-related disorders; SIM1-related condition.

gnomAD v4.1: 13 of 1,614,000 alleles (0.00081%); highest among the groups gnomAD compares: Admixed American, 0.013%; no homozygotes.

Submission:

PreventionGenetics, part of Exact Sciences
Classification: Uncertain significance for SIM1-related condition. Last evaluated: 2025-06-12. Review status: criteria provided, single submitter. Criteria: ACMG Guidelines, 2015. Collection method: clinical testing. Allele origin: germline.
Comment: The SIM1 c.1931A>G variant is predicted to result in the amino acid substitution p.His644Arg. To our knowledge, this variant has not been reported in the literature. This variant is reported in 1 heterozygous individual in the "other" subpopulation in gnomAD. At this time, the clinical significance of this variant is uncertain due to the absence of conclusive functional and genetic evidence.

NM_005068.3(SIM1):c.1931A>G (p.His644Arg)

Gene: SIM1 (SIM bHLH transcription factor 1; minus strand). Cytogenetic location: 6q16.3.
Variant type: single nucleotide variant.
Coding change: c.1931A>G on transcript NM_005068.3 (MANE Select); coding-DNA position 1931, A replaced by G.
Protein change: p.His644Arg; replaces histidine 644 with arginine.
Molecular consequence: missense variant.
Genome position (GRCh38, 1-based): chr6:100,390,731, T>C on the plus strand (A>G on the coding strand, the complement: SIM1 is on the minus strand). VCF-style: chr6-100390731-T-C. GRCh37 (hg19) VCF-style: chr6-100838607-T-C.
Other names: c.1931A>G, p.His644Arg (NM_001374769.1); short protein forms H644R.
Identifiers: ClinVar variation 4989020 (VCV004989020.1).